The following is an entry in ClinVar:

ClinVar aggregate classification (germline): Uncertain significance (1 of 4 stars; one submission).

Conditions:
Cardiovascular phenotype. Identifiers: MedGen CN230736.

gnomAD v4.1: 1 of 1,602,852 alleles (0.000062%); no homozygotes.

Submission:

Ambry Genetics
Classification: Uncertain significance for Cardiovascular phenotype. Last evaluated: 2021-07-21. Review status: criteria provided, single submitter. Criteria: Ambry Variant Classification Scheme 2023. Collection method: clinical testing. Allele origin: germline.
Comment: The p.V1484I variant (also known as c.4450G>A), located in coding exon 26 of the SCN10A gene, results from a G to A substitution at nucleotide position 4450. The valine at codon 1484 is replaced by isoleucine, an amino acid with highly similar properties. This amino acid position is well conserved in available vertebrate species; however, isoleucine is the reference amino acid in other vertebrate species. In addition, this alteration is predicted to be tolerated by in silico analysis. Since supporting evidence is limited at this time, the clinical significance of this alteration remains unclear.

NM_006514.4(SCN10A):c.4450G>A (p.Val1484Ile)

Gene: SCN10A (sodium voltage-gated channel alpha subunit 10; minus strand). Cytogenetic location: 3p22.2.
Variant type: single nucleotide variant.
Coding change: c.4450G>A on transcript NM_006514.4 (MANE Select); coding-DNA position 4450, G replaced by A.
Protein change: p.Val1484Ile; replaces valine 1484 with isoleucine.
Molecular consequence: missense variant.
Genome position (GRCh38, 1-based): chr3:38,702,046, C>T on the plus strand (G>A on the coding strand, the complement: SCN10A is on the minus strand). VCF-style: chr3-38702046-C-T. GRCh37 (hg19) VCF-style: chr3-38743537-C-T.
Other names: c.4447G>A, p.Val1483Ile (NM_001293306.2); c.4156G>A, p.Val1386Ile (NM_001293307.2); short protein forms V1386I, V1484I, V1483I.
Identifiers: ClinVar variation 1740707 (VCV001740707.2), dbSNP rs773638118, ClinGen allele CA352146894.
Genomic context (GRCh38, chr3:38,702,046, plus strand): 5'-TTTCTTCACTTTGGTCATCAGTCTCCACCATCATGGTGATCATGTTGAGGCAGATGAGGA[C>T]CATGATGGTGATGTCAAAAGCTTGTCTGGTCACGATGTCAAAGACAAAACCCTGGAACTT-3'
Protein context (NP_006505.4, residues 1474-1494): TRQAFDITIM[Val1484Ile]LICLNMITMM